The following is an entry in ClinVar:

NM_005751.5(AKAP9):c.5713G>A (p.Glu1905Lys)

Gene: AKAP9 (A-kinase anchoring protein 9; plus strand). Cytogenetic location: 7q21.2.
Variant type: single nucleotide variant.
Coding change: c.5713G>A on transcript NM_005751.5 (MANE Select); coding-DNA position 5713, G replaced by A.
Protein change: p.Glu1905Lys; replaces glutamic acid 1905 with lysine.
Molecular consequence: missense variant.
Genome position (GRCh38, 1-based): chr7:92,061,371, G>A. VCF-style: chr7-92061371-G-A. GRCh37 (hg19) VCF-style: chr7-91690685-G-A.
Other names: c.358G>A, p.Glu120Lys (NM_001379277.1); c.5713G>A, p.Glu1905Lys (NM_147185.3); short protein forms E120K, E1905K.
Identifiers: ClinVar variation 3225072 (VCV003225072.1), dbSNP rs2535191147, ClinGen allele CA368131683.

ClinVar aggregate classification (germline): Uncertain significance (1 of 4 stars; one submission).

Conditions:
Cardiovascular phenotype. Identifiers: MedGen CN230736.

Allele frequency attached by ClinVar (database versions not stated): gnomAD exomes below 0.00001.
gnomAD v4.1: 3 of 1,613,028 alleles (0.00019%); highest among the groups gnomAD compares: Non-Finnish European, 0.00025%; no homozygotes.

Submission:

Ambry Genetics
Classification: Uncertain significance for Cardiovascular phenotype. Last evaluated: 2024-01-23. Review status: criteria provided, single submitter. Criteria: Ambry Variant Classification Scheme 2023. Collection method: clinical testing. Allele origin: germline.
Comment: The p.E1905K variant (also known as c.5713G>A), located in coding exon 23 of the AKAP9 gene, results from a G to A substitution at nucleotide position 5713. The glutamic acid at codon 1905 is replaced by lysine, an amino acid with similar properties. This amino acid position is conserved. In addition, this alteration is predicted to be tolerated by in silico analysis. Based on the available evidence, the clinical significance of this alteration remains unclear.